The following is an entry in ClinVar:

ClinVar aggregate classification (germline): Pathogenic (1 of 4 stars; one submission).

Submission:

Labcorp Genetics (formerly Invitae), Labcorp
Classification: Pathogenic. Last evaluated: 2023-05-07. Review status: criteria provided, single submitter. Criteria: Invitae Variant Classification Sherloc (09022015). Collection method: clinical testing. Allele origin: germline.
Comment: For these reasons, this variant has been classified as Pathogenic. Algorithms developed to predict the effect of sequence changes on RNA splicing suggest that this variant may create or strengthen a splice site. This premature translational stop signal has been observed in individual(s) with hypophosphatemic rickets (PMID: 21553362). This variant is not present in population databases (gnomAD no frequency). This sequence change creates a premature translational stop signal (p.Tyr245*) in the PHEX gene. It is expected to result in an absent or disrupted protein product. Loss-of-function variants in PHEX are known to be pathogenic (PMID: 9097956, 9106524, 19219621).

Literature cited by the submitters: PubMed 21553362; PubMed 9097956; PubMed 9106524; PubMed 19219621.

NM_000444.6(PHEX):c.735T>G (p.Tyr245Ter)

Gene: PHEX (phosphate regulating endopeptidase X-linked; plus strand). Cytogenetic location: Xp22.11.
Variant type: single nucleotide variant.
Coding change: c.735T>G on transcript NM_000444.6 (MANE Select); coding-DNA position 735, T replaced by G.
Protein change: p.Tyr245Ter; replaces tyrosine 245 with a stop codon.
Molecular consequence: nonsense.
Genome position (GRCh38, 1-based): chrX:22,093,985, T>G. VCF-style: chrX-22093985-T-G. GRCh37 (hg19) VCF-style: chrX-22112103-T-G.
Other names: c.735T>G, p.Tyr245Ter (NM_001282754.2); short protein forms Y245*.
Identifiers: ClinVar variation 2737109 (VCV002737109.3), dbSNP rs2519771950, ClinGen allele CA412572260.